The following is an entry in ClinVar:

NM_000059.4(BRCA2):c.6815del (p.Arg2272fs)

Gene: BRCA2 (BRCA2 DNA repair associated; plus strand). Cytogenetic location: 13q13.1.
Variant type: Deletion.
Coding change: c.6815del on transcript NM_000059.4 (MANE Select); coding-DNA position 6815, one base deleted (G; older notation c.6815delG).
Protein change: p.Arg2272fs; shifts the reading frame from arginine 2272.
Molecular consequence: frameshift variant. On other transcripts: non-coding transcript variant (1), intron variant (2).
Genome position (GRCh38, 1-based): chr13:32,341,170, G deleted. VCF-style (leftmost placement, unchanged base first): chr13-32341169-AG-A. GRCh37 (hg19) VCF-style: chr13-32915306-AG-A.
Other names: c.6815del, p.Arg2272fs (NM_001406719.1, NM_001406720.1); c.1910-3388del (NM_001406721.1); c.425-3388del (NM_001406722.1); short protein forms R2272fs.
Identifiers: ClinVar variation 2451556 (VCV002451556.4), dbSNP rs2548534141, ClinGen allele CA1139771857.
Genomic context (GRCh38, chr13:32,341,169, plus strand): 5'-TCTCTTTTTACATGTCCCGAAAATGAGGAAATGGTTTTGTCAAATTCAAGAATTGGAAAA[AG>A]AAGAGGAGAGCCCCTTATCTTAGTGGGTAAGTGTTCATTTTTACCTTTCGTGTTGCCAAT-3'

ClinVar aggregate classification (germline): Pathogenic. Review status: criteria provided, multiple submitters, no conflicts (2 of 4 stars). 2 submissions from 2 submitters: Pathogenic (2). Last evaluated 2023-02-19.

Conditions:
Hereditary cancer-predisposing syndrome. Also called: Neoplastic Syndromes, Hereditary; Tumor predisposition; Hereditary neoplastic syndrome; Hereditary Cancer Syndrome. Identifiers: Orphanet 140162, MedGen C0027672, MeSH D009386, MONDO:0015356.

Submissions (2):

Ambry Genetics
Classification: Pathogenic for Hereditary cancer-predisposing syndrome. Last evaluated: 2023-02-19. Review status: criteria provided, single submitter. Criteria: Ambry Variant Classification Scheme 2023. Collection method: clinical testing. Allele origin: germline.
Comment: The c.6815delG pathogenic mutation, located in coding exon 10 of the BRCA2 gene, results from a deletion of one nucleotide at nucleotide position 6815, causing a translational frameshift with a predicted alternate stop codon (p.R2272Kfs*8). This variant is considered to be rare based on population cohorts in the Genome Aggregation Database (gnomAD). This alteration is expected to result in loss of function by premature protein truncation or nonsense-mediated mRNA decay. As such, this alteration is interpreted as a disease-causing mutation.

Color Diagnostics, LLC DBA Color Health
Classification: Pathogenic for Hereditary cancer-predisposing syndrome. Last evaluated: 2022-05-31. Review status: criteria provided, single submitter. Criteria: ACMG Guidelines, 2015. Collection method: clinical testing. Allele origin: germline.
Comment: This variant deletes 1 nucleotide in exon 11 of the BRCA2 gene, creating a frameshift and premature translation stop signal. This variant is expected to result in an absent or non-functional protein product. To our knowledge, this variant has not been reported in individuals affected with hereditary cancer in the literature. This variant has not been identified in the general population by the Genome Aggregation Database (gnomAD). Loss of BRCA2 function is a known mechanism of disease. Based on the available evidence, this variant is classified as Pathogenic.